The following is an entry in ClinVar:

NM_030665.4(RAI1):c.5590G>A (p.Gly1864Arg)

Gene: RAI1 (retinoic acid induced 1; plus strand). Cytogenetic location: 17p11.2.
Variant type: single nucleotide variant.
Coding change: c.5590G>A on transcript NM_030665.4 (MANE Select); coding-DNA position 5590, G replaced by A.
Protein change: p.Gly1864Arg; replaces glycine 1864 with arginine.
Molecular consequence: missense variant.
Genome position (GRCh38, 1-based): chr17:17,803,780, G>A. VCF-style: chr17-17803780-G-A. GRCh37 (hg19) VCF-style: chr17-17707094-G-A.
Other names: c.5590G>A (NM_030665.3); short protein forms G1864R.
Identifiers: ClinVar variation 1366425 (VCV001366425.7), dbSNP rs762253470, ClinGen allele CA8419222.

ClinVar aggregate classification (germline): Likely benign. Review status: criteria provided, multiple submitters, no conflicts (2 of 4 stars). 2 submissions from 2 submitters: Likely benign (2). Last evaluated 2026-03-21.

Conditions:
RAI1-related disorder. Also called: RAI1-related condition.

Allele frequency attached by ClinVar (database versions not stated): gnomAD 0.00002 and 0.00003; gnomAD exomes 0.00002 and 0.00003; TOPMed 0.00002; ExAC 0.00003.
gnomAD v4.1: 37 of 1,613,222 alleles (0.0023%); highest among the groups gnomAD compares: South Asian, 0.027%; no homozygotes.

Submissions (2):

PreventionGenetics, part of Exact Sciences
Classification: Likely benign for RAI1-related condition. Last evaluated: 2026-03-21. Review status: criteria provided, single submitter. Criteria: ACMG Guidelines, 2015. Collection method: clinical testing. Allele origin: germline.
Comment: This variant is classified as likely benign based on ACMG/AMP sequence variant interpretation guidelines (Richards et al. 2015 PMID: 25741868, with internal and published modifications).

Labcorp Genetics (formerly Invitae), Labcorp
Classification: Likely benign. Last evaluated: 2025-12-01. Review status: criteria provided, single submitter. Criteria: Invitae Variant Classification Sherloc (09022015). Collection method: clinical testing. Allele origin: germline.